The following is an entry in ClinVar:

NM_005559.4(LAMA1):c.8594C>T (p.Thr2865Met)

Gene: LAMA1 (laminin subunit alpha 1; minus strand). Cytogenetic location: 18p11.31.
Variant type: single nucleotide variant.
Coding change: c.8594C>T on transcript NM_005559.4 (MANE Select); coding-DNA position 8594, C replaced by T.
Protein change: p.Thr2865Met; replaces threonine 2865 with methionine.
Molecular consequence: missense variant.
Genome position (GRCh38, 1-based): chr18:6,948,519, G>A on the plus strand (C>T on the coding strand, the complement: LAMA1 is on the minus strand). VCF-style: chr18-6948519-G-A. GRCh37 (hg19) VCF-style: chr18-6948518-G-A.
Other names: short protein forms T2865M.
Identifiers: ClinVar variation 1918569 (VCV001918569.4), dbSNP rs776476332, ClinGen allele CA8880418.
Genomic context (GRCh38, chr18:6,948,519, plus strand): 5'-CACCTGTTCACCGTGAAGGCAGACACCGGGCTGTCCTTGTCCAGCTGTTTGCTGTTAACC[G>A]TCACATCCCCAATGCAGGCAGGGATGCTGTGGGTGATCTAAGCCAAATGACATGCAAGAG-3'
Protein context (NP_005550.2, residues 2855-2875): HSIPACIGDV[Thr2865Met]VNSKQLDKDS

ClinVar aggregate classification (germline): Conflicting classifications of pathogenicity. Review status: criteria provided, conflicting classifications (1 of 4 stars). 2 submissions from 2 submitters: Uncertain significance (1); Likely benign (1). Last evaluated 2024-10-28.

Allele frequency attached by ClinVar (database versions not stated): ExAC 0.00002; gnomAD 0.00003; gnomAD exomes 0.00005; TOPMed 0.00005.
gnomAD v4.1: 76 of 1,614,054 alleles (0.0047%); highest among the groups gnomAD compares: Non-Finnish European, 0.0058%; no homozygotes.

Submissions (2):

Blueprint Genetics
Classification: Likely benign. Last evaluated: 2024-10-28. Review status: criteria provided, single submitter. Criteria: ACMG Guidelines, 2015. Collection method: clinical testing. Allele origin: germline.

Labcorp Genetics (formerly Invitae), Labcorp
Classification: Uncertain significance. Last evaluated: 2022-07-13. Review status: criteria provided, single submitter. Criteria: Invitae Variant Classification Sherloc (09022015). Collection method: clinical testing. Allele origin: germline.
Comment: This sequence change replaces threonine, which is neutral and polar, with methionine, which is neutral and non-polar, at codon 2865 of the LAMA1 protein (p.Thr2865Met). In summary, the available evidence is currently insufficient to determine the role of this variant in disease. Therefore, it has been classified as a Variant of Uncertain Significance. Algorithms developed to predict the effect of missense changes on protein structure and function output the following: SIFT: "Tolerated"; PolyPhen-2: "Benign"; Align-GVGD: "Class C0". The methionine amino acid residue is found in multiple mammalian species, which suggests that this missense change does not adversely affect protein function. This variant has not been reported in the literature in individuals affected with LAMA1-related conditions. This variant is present in population databases (rs776476332, gnomAD 0.004%).